The following is an entry in ClinVar:

NM_006929.5(SKIC2):c.3400-2A>G

Gene: SKIC2 (SKI2 subunit of superkiller complex; plus strand). Cytogenetic location: 6p21.33.
Variant type: single nucleotide variant.
Coding change: c.3400-2A>G on transcript NM_006929.5 (MANE Select); the canonical splice acceptor site of the intron before coding-DNA position 3400, A replaced by G.
Molecular consequence: splice acceptor variant.
Genome position (GRCh38, 1-based): chr6:31,969,278, A>G. VCF-style: chr6-31969278-A-G. GRCh37 (hg19) VCF-style: chr6-31937055-A-G.
Identifiers: ClinVar variation 2694782 (VCV002694782.3), dbSNP rs1773017329, ClinGen allele CA363489419.

ClinVar aggregate classification (germline): Likely pathogenic (1 of 4 stars; one submission).

Allele frequency attached by ClinVar (database versions not stated): gnomAD exomes below 0.00001; gnomAD 0.00001.
gnomAD v4.1: 3 of 1,613,946 alleles (0.00019%); highest among the groups gnomAD compares: South Asian, 0.0022%; no homozygotes.

Submission:

Labcorp Genetics (formerly Invitae), Labcorp
Classification: Likely pathogenic. Last evaluated: 2023-11-10. Review status: criteria provided, single submitter. Criteria: Invitae Variant Classification Sherloc (09022015). Collection method: clinical testing. Allele origin: germline.
Comment: This sequence change affects an acceptor splice site in intron 26 of the SKIV2L gene. It is expected to disrupt RNA splicing. Variants that disrupt the donor or acceptor splice site typically lead to a loss of protein function (PMID: 16199547), and loss-of-function variants in SKIV2L are known to be pathogenic (PMID: 22444670). This variant is not present in population databases (gnomAD no frequency). This variant has not been reported in the literature in individuals affected with SKIV2L-related conditions. Algorithms developed to predict the effect of sequence changes on RNA splicing suggest that this variant may disrupt the consensus splice site. In summary, the currently available evidence indicates that the variant is pathogenic, but additional data are needed to prove that conclusively. Therefore, this variant has been classified as Likely Pathogenic.

Literature cited by the submitters: PubMed 16199547; PubMed 22444670.